The following is an entry in ClinVar:

ClinVar aggregate classification (germline): Conflicting classifications of pathogenicity. Review status: criteria provided, conflicting classifications (1 of 4 stars). 2 submissions from 2 submitters: Uncertain significance (1); Likely benign (1). Last evaluated 2025-10-06.

Conditions:
Inborn genetic diseases. Identifiers: MedGen C0950123, MeSH D030342.

Allele frequency attached by ClinVar (database versions not stated): gnomAD exomes below 0.00001 and 0.00002; ExAC 0.00001; TOPMed 0.00005.
gnomAD v4.1: 6 of 1,614,178 alleles (0.00037%); highest among the groups gnomAD compares: East Asian, 0.0045%; no homozygotes.

Submissions (2):

Ambry Genetics
Classification: Uncertain significance for Inborn genetic diseases. Last evaluated: 2025-10-06. Review status: criteria provided, single submitter. Criteria: Ambry Variant Classification Scheme 2023. Collection method: clinical testing. Allele origin: germline.

Laboratory for Molecular Medicine, Mass General Brigham Personalized Medicine
Classification: Likely benign. Last evaluated: 2013-08-10. Review status: criteria provided, single submitter. Criteria: LMM Criteria. Collection method: clinical testing. Allele origin: germline. Observed: 1 variant allele.
Comment: His165Arg in Exon 2 of MARVELD2: This variant is not expected to have clinical s ignificance due to a lack of conservation across species, including mammals. Of note, mouse, rat, dolphin and dog have an arginine (Arg) at this position despit e high nearby amino acid conservation. In addition, computational analyses (Poly Phen2, SIFT, AlignGVGD) do not suggest a high likelihood of impact to the protei n.

NM_001038603.3(MARVELD2):c.494A>G (p.His165Arg)

Gene: MARVELD2 (MARVEL domain containing 2; plus strand). Cytogenetic location: 5q13.2.
Variant type: single nucleotide variant.
Coding change: c.494A>G on transcript NM_001038603.3 (MANE Select); coding-DNA position 494, A replaced by G.
Protein change: p.His165Arg; replaces histidine 165 with arginine.
Molecular consequence: missense variant.
Genome position (GRCh38, 1-based): chr5:69,419,879, A>G. VCF-style: chr5-69419879-A-G. GRCh37 (hg19) VCF-style: chr5-68715706-A-G.
Other names: c.494A>G, p.His165Arg (NM_001244734.2); short protein forms H165R.
Identifiers: ClinVar variation 163964 (VCV000163964.5), dbSNP rs727503157, ClinGen allele CA176714.